The following is an entry in ClinVar:

ClinVar aggregate classification (germline): Likely benign. Review status: criteria provided, multiple submitters, no conflicts (2 of 4 stars). 2 submissions from 2 submitters: Likely benign (2). Last evaluated 2024-10-15.

Conditions:
Breast-ovarian cancer, familial, susceptibility to, 1 (BROVCA1). Also called: BRCA1 Hereditary Breast and Ovarian Cancer; OVARIAN CANCER, SUSCEPTIBILITY TO. Identifiers: Orphanet 145, MedGen C2676676, MONDO:0011450, OMIM 604370. Disease mechanism: loss of function.
Hereditary breast ovarian cancer syndrome. Also called: Hereditary breast and/or ovarian cancer syndrome; BRCA1- and BRCA2-Associated Hereditary Breast and Ovarian Cancer; Hereditary breast and ovarian cancer syndrome; Hereditary breast and ovarian cancer; Hereditary breast and ovarian cancer syndrome (HBOC); Breast and ovarian cancer. Identifiers: Orphanet 145, MedGen C0677776, MeSH D061325, MONDO:0003582. Disease mechanism: loss of function.

Allele frequency attached by ClinVar (database versions not stated): gnomAD exomes below 0.00001.
gnomAD v4.1: 1 of 1,613,896 alleles (0.000062%); highest among the groups gnomAD compares: Admixed American, 0.0017%; no homozygotes.

Submissions (3):

Labcorp Genetics (formerly Invitae), Labcorp
Classification: Likely benign for Hereditary breast ovarian cancer syndrome. Last evaluated: 2024-10-15. Review status: criteria provided, single submitter. Criteria: Invitae Variant Classification Sherloc (09022015). Collection method: clinical testing. Allele origin: germline.

Lupski Lab, Baylor-Hopkins CMG, Baylor College of Medicine
Classification: Likely benign for Breast-ovarian cancer, familial, susceptibility to, 1. Last evaluated: 2024-04-12. Review status: criteria provided, single submitter. Criteria: Dawood et al. (medRxiv. 2024). Collection method: curation. Allele origin: germline.
Comment: Each variant was annotated with functional scores from MAVE data which was translated into functional evidence codes. All other evidence codes and combining criteria were adhered to as closely as possible based on the ClinGen VCEP (Variant Curation Expert Panel) gene-specific recommendations. See Supplemental Figure 34 of final paper (Supp Fig. 28 in preprint: doi:10.1101/2024.04.11.24305690) for a table to see which lines of evidence we did not have data for. The ClinGen VCEPs are highly regarded as the gold-standard for gene-specific variant curation and are developed after extensive evaluation of the evidence by clinical and scientific experts for the particular gene to classify genomic variants on a spectrum from pathogenic to benign using the 2015 ACMG/AMP Variant Interpretation Guidelines as a backbone (PMID: 25741868). Reclassification of these VUS variants from gnomAD or All of Us focused only on variants originally prescribed as VUS in ClinVar. To ensure reproducibility, transparency, and increased throughput, all the procedures for annotating variants and assigning evidence codes were codified using Python. All code has been made freely available and is linked in the Code Availability section and all reclassified variants with evidence codes used can be found in Tables S18-19 (preprint: doi:10.1101/2024.04.11.24305690). For the MAVE data, the clinical curation and clinical strength assignment as per the ClinGen recommendations in Brnich et al. (2020) (PMID: 31892348) for or against pathogenicity or benignity of each of these MAVE datasets utilized in this study were previously published in Fayer et al. (2021) (PMID: 34793697).In brief, for BRCA1 variants, if a variant was categorized as FUNC (functional), it was assigned BS3 evidence and no PS3 evidence, whereas if it was categorized as LOF (loss of function), the variant was assigned PS3 evidence and no BS3 evidence. Variants categorized as INT (intermediate) were left unannotated. For the BRCA1 combining criteria, greater than or equal to 1 criteria of strong benign evidence was enough to reclassify the VUS as Likely Benign. This variant GRCh37:17:41209063:C>T was assigned evidence codes ['BS3'] and an overall classification of Likely Benign

Brotman Baty Institute, University of Washington
No classification provided (evidence only). Condition: Breast-ovarian cancer, familial 1. Review status: no classification provided. Collection method: in vitro. Allele origin: not applicable. Functional consequence: functionally_normal. Not counted in ClinVar's aggregate classification.
ClinVar note: "not provided" was previously submitted as the classification for the variant. However, the classification appeared to be based only on an observation of functional data so it was converted to no classification on 2025-07-30.

Literature cited by the submitters: PubMed 39142283 (cited by Lupski Lab, Baylor-Hopkins CMG, Baylor College of Medicine); PubMed 34793697 (cited by Lupski Lab, Baylor-Hopkins CMG, Baylor College of Medicine); DOI 10.1101/2024.04.11.24305690 (cited by Lupski Lab, Baylor-Hopkins CMG, Baylor College of Medicine).

NM_007294.4(BRCA1):c.5277+6G>A

Gene: BRCA1 (BRCA1 DNA repair associated; minus strand). Cytogenetic location: 17q21.31.
Variant type: single nucleotide variant.
Coding change: c.5277+6G>A on transcript NM_007294.4 (MANE Select); 6 bases into the intron after coding-DNA position 5277, G replaced by A.
Molecular consequence: intron variant.
Genome position (GRCh38, 1-based): chr17:43,057,046, C>T on the plus strand (G>A on the coding strand, the complement: BRCA1 is on the minus strand). VCF-style: chr17-43057046-C-T. GRCh37 (hg19) VCF-style: chr17-41209063-C-T.
Other names: c.1824+6G>A (NM_001408458.1, NM_001408461.1, NM_001408464.1 and 7 more transcripts); c.4386+6G>A (NM_001407967.1); c.4896+6G>A (NM_001407959.1); c.5010+6G>A (NM_001407931.1, NM_001407932.1, NM_001407928.1 and 4 more transcripts); c.5133+6G>A (NM_001407747.1, NM_001407745.1, NM_001407737.1 and 21 more transcripts); c.4893+6G>A (NM_001407962.1, NM_001407960.1); c.1464+6G>A (NM_001408512.1); c.1587+6G>A (NM_001408510.1); and 72 more.
Identifiers: ClinVar variation 867312 (VCV000867312.9), dbSNP rs1057523590, ClinGen allele CA626078974.